The following is an entry in ClinVar:

NM_001042492.3(NF1):c.27G>A (p.Trp9Ter)

Genes: NF1 (neurofibromin 1; plus strand), MIR4733HG (MIR4733 host gene; minus strand), LOC111811965 (NF1 (neurofibromin 1) promoter region; plus strand). Cytogenetic location: 17q11.2.
Variant type: single nucleotide variant.
Coding change: c.27G>A on transcript NM_001042492.3 (MANE Select); coding-DNA position 27, G replaced by A.
Protein change: p.Trp9Ter; replaces tryptophan 9 with a stop codon.
Molecular consequence: nonsense. On other transcripts: non-coding transcript variant (1).
Genome position (GRCh38, 1-based): chr17:31,095,336, G>A. VCF-style: chr17-31095336-G-A. GRCh37 (hg19) VCF-style: chr17-29422354-G-A.
Other names: c.27G>A, p.Trp9Ter (NM_000267.4, NM_001128147.3); short protein forms W9*.
Identifiers: ClinVar variation 1459748 (VCV001459748.10), dbSNP rs2143144971, ClinGen allele CA398979268.

ClinVar aggregate classification (germline): Pathogenic. Review status: criteria provided, multiple submitters, no conflicts (2 of 4 stars). 5 submissions from 5 submitters: Pathogenic (4). 1 of the submissions does not count toward it. Last evaluated 2025-12-22.

Conditions:
Neurofibromatosis, type 1 (NF1). Also called: NEUROFIBROMATOSIS, TYPE I, SOMATIC; VON RECKLINGHAUSEN DISEASE; Peripheral type neurofibromatosis; Neurofibromatosis, type I. Identifiers: Orphanet 636, MedGen C0027831, MONDO:0018975, OMIM 162200. Disease mechanism: loss of function.

Submissions (5):

Labcorp Genetics (formerly Invitae), Labcorp
Classification: Pathogenic for Neurofibromatosis, type 1. Last evaluated: 2025-12-22. Review status: criteria provided, single submitter. Criteria: Invitae Variant Classification Sherloc (09022015). Collection method: clinical testing. Allele origin: germline.
Comment: This sequence change creates a premature translational stop signal (p.Trp9*) in the NF1 gene. It is expected to result in an absent or disrupted protein product. Loss-of-function variants in NF1 are known to be pathogenic (PMID: 10712197, 23913538). This variant is not present in population databases (gnomAD no frequency). This premature translational stop signal has been observed in individual(s) with neurofibromatosis type 1 (PMID: 10712197). ClinVar contains an entry for this variant (Variation ID: 1459748). For these reasons, this variant has been classified as Pathogenic.

Molecular Pathology, Peter Maccallum Cancer Centre
Classification: Pathogenic for Neurofibromatosis, type 1. Last evaluated: 2024-10-30. Review status: criteria provided, single submitter. Criteria: ACMG Guidelines, 2015. Collection method: clinical testing. Allele origin: germline. Inheritance: Autosomal dominant inheritance.

GeneDx
Classification: Pathogenic. Last evaluated: 2023-04-11. Review status: criteria provided, single submitter. Criteria: GeneDx Variant Classification Process June 2021. Collection method: clinical testing. Allele origin: germline. Affected: yes.
Comment: Nonsense variant predicted to result in protein truncation or nonsense mediated decay in a gene for which loss of function is a known mechanism of disease; Not observed at significant frequency in large population cohorts (gnomAD)

3billion
Classification: Pathogenic for Neurofibromatosis, type 1. Last evaluated: 2023-02-23. Review status: criteria provided, single submitter. Criteria: ACMG Guidelines, 2015. Collection method: clinical testing. Allele origin: unknown. Affected: yes.
Comment: The variant is not observed in the gnomAD v2.1.1 dataset. This variant was predicted to result in a loss or disruption of normal protein function through nonsense-mediated decay (NMD) or protein truncation. Multiple pathogenic variants are reported downstream of the variant. The variant has been reported to be associated with NF1 related disorder (ClinVar ID: VCV001459748). Therefore, this variant is classified as Pathogenic according to the recommendation of ACMG/AMP guideline.

Division of Human Genetics, National Health Laboratory Service/University of the Witwatersrand
Classification: Pathogenic for Neurofibromatosis, type 1. Review status: no assertion criteria provided. Collection method: research. Allele origin: unknown. Affected: yes. Observed: 1 variant allele. Not counted in ClinVar's aggregate classification.

Literature cited by the submitters: PubMed 10712197 (cited by Labcorp Genetics (formerly Invitae), Labcorp); PubMed 23913538 (cited by Labcorp Genetics (formerly Invitae), Labcorp).